The following is an entry in ClinVar:

ClinVar aggregate classification (germline): Pathogenic (1 of 4 stars; one submission).

Conditions:
O'Donnell-Luria-Rodan syndrome (ODLURO). Also called: KMT2E-Related Neurodevelopmental Disorder. Identifiers: MedGen C5193138, MONDO:0032793, OMIM 618512.

Submission:

Translational Cytogenomics Research Unit, Bambino Gesu Children Hospital
Classification: Pathogenic for O'Donnell-Luria-Rodan syndrome. Last evaluated: 2024-11-12. Review status: criteria provided, single submitter. Criteria: ACMG Guidelines, 2015. Collection method: clinical testing. Allele origin: de novo. Affected: yes.
Comment: Null variant (frame-shift) in gene KMT2E, predicted to cause NMD. Loss-of-function is a known mechanism of disease (gene has 104 reported pathogenic LOF variants). The exon contains 4 pathogenic variants. The truncated region contains 82 pathogenic variants. This variant has been identified as a de novo. ACMG Criteria ACMG Criteria (PVS1, PM2, PS2)

NM_182931.3(KMT2E):c.1624_1625del (p.Glu542fs)

Gene: KMT2E (lysine methyltransferase 2E (inactive); plus strand). Cytogenetic location: 7q22.3.
Variant type: Deletion.
Coding change: c.1624_1625del on transcript NM_182931.3 (MANE Select); coding-DNA positions 1624 to 1625, 2 bases deleted (GA; older notation c.1624_1625delGA).
Protein change: p.Glu542fs; shifts the reading frame from glutamic acid 542.
Molecular consequence: frameshift variant.
Genome position (GRCh38, 1-based): chr7:105,091,216-105,091,217, GA deleted. VCF-style (leftmost placement, unchanged base first): chr7-105091215-GGA-G. GRCh37 (hg19) VCF-style: chr7-104731662-GGA-G.
Other names: c.1624_1625del, p.Glu542fs (NM_001410908.1, NM_018682.4); short protein forms E542fs.
Identifiers: ClinVar variation 3376547 (VCV003376547.2).
Genomic context (GRCh38, chr7:105,091,215, plus strand): 5'-ATGTCACTAGTTGTATAGATGGAATAATAGTTTGTATAAAGAAGTCATTTCCATTTTTCA[GGA>G]ACCAGATTTTATTGATGATATAGAAGAAAAAACTCCTATTAGTAATGAAGTAGAAATGGA-3'